The following is an entry in ClinVar:

ClinVar aggregate classification (germline): Uncertain significance (1 of 4 stars; one submission).

Conditions:
Primary open angle glaucoma (POAG). Also called: OPTN-related open angle glaucoma. Identifiers: MedGen C0339573, MONDO:0100553, OMIM 137760.
Glaucoma 1, open angle, E. Identifiers: MedGen C1842026, MONDO:0007665.
Amyotrophic lateral sclerosis type 12 (ALS12). Also called: AMYOTROPHIC LATERAL SCLEROSIS 12 WITH OR WITHOUT FRONTOTEMPORAL DEMENTIA. Identifiers: Orphanet 803, MedGen C3150692, MONDO:0013264, OMIM 613435.

Allele frequency attached by ClinVar (database versions not stated): gnomAD exomes below 0.00001; TOPMed below 0.00001; ExAC 0.00001; gnomAD 0.00001.

Submission:

Labcorp Genetics (formerly Invitae), Labcorp
Classification: Uncertain significance for Primary open angle glaucoma; Glaucoma 1, open angle, E; Amyotrophic lateral sclerosis type 12. Last evaluated: 2023-12-08. Review status: criteria provided, single submitter. Criteria: Invitae Variant Classification Sherloc (09022015). Collection method: clinical testing. Allele origin: germline.
Comment: This sequence change replaces leucine, which is neutral and non-polar, with proline, which is neutral and non-polar, at codon 363 of the OPTN protein (p.Leu363Pro). This variant is present in population databases (rs778506831, gnomAD 0.002%). This variant has not been reported in the literature in individuals affected with OPTN-related conditions. Advanced modeling of protein sequence and biophysical properties (such as structural, functional, and spatial information, amino acid conservation, physicochemical variation, residue mobility, and thermodynamic stability) performed at Invitae indicates that this missense variant is expected to disrupt OPTN protein function with a positive predictive value of 80%. In summary, the available evidence is currently insufficient to determine the role of this variant in disease. Therefore, it has been classified as a Variant of Uncertain Significance.

NM_001008212.2(OPTN):c.1088T>C (p.Leu363Pro)

Gene: OPTN (optineurin; plus strand). Cytogenetic location: 10p13.
Variant type: single nucleotide variant.
Coding change: c.1088T>C on transcript NM_001008212.2 (MANE Select); coding-DNA position 1088, T replaced by C.
Protein change: p.Leu363Pro; replaces leucine 363 with proline.
Molecular consequence: missense variant.
Genome position (GRCh38, 1-based): chr10:13,125,507, T>C. VCF-style: chr10-13125507-T-C. GRCh37 (hg19) VCF-style: chr10-13167507-T-C.
Other names: c.1088T>C, p.Leu363Pro (NM_001008211.1, NM_001008213.1, NM_021980.4); short protein forms L363P.
Identifiers: ClinVar variation 2924880 (VCV002924880.3), dbSNP rs778506831, ClinGen allele CA5410850.